The following is an entry in ClinVar:

ClinVar aggregate classification (germline): Uncertain significance. Review status: criteria provided, multiple submitters, no conflicts (2 of 4 stars). 2 submissions from 2 submitters: Uncertain significance (2). Last evaluated 2025-04-07.

Conditions:
Hajdu-Cheney syndrome (HJCYS). Also called: Acroosteolysis dominant type; ACROOSTEOLYSIS WITH OSTEOPOROSIS AND CHANGES IN SKULL AND MANDIBLE; SERPENTINE FIBULA-POLYCYSTIC KIDNEY SYNDROME. Identifiers: Orphanet 955, MedGen C0917715, MONDO:0007057, OMIM 102500.
Inborn genetic diseases. Identifiers: MedGen C0950123, MeSH D030342.

gnomAD v4.1: 3 of 1,613,878 alleles (0.00019%); highest among the groups gnomAD compares: Non-Finnish European, 0.00017%; no homozygotes.

Submissions (2):

Labcorp Genetics (formerly Invitae), Labcorp
Classification: Uncertain significance for Hajdu-Cheney syndrome. Last evaluated: 2025-04-07. Review status: criteria provided, single submitter. Criteria: Invitae Variant Classification Sherloc (09022015). Collection method: clinical testing. Allele origin: germline.
Comment: This sequence change replaces serine, which is neutral and polar, with tryptophan, which is neutral and slightly polar, at codon 763 of the NOTCH2 protein (p.Ser763Trp). This variant is present in population databases (no rsID available, gnomAD no frequency). This variant has not been reported in the literature in individuals affected with NOTCH2-related conditions. ClinVar contains an entry for this variant (Variation ID: 3406942). Invitae Evidence Modeling of protein sequence and biophysical properties (such as structural, functional, and spatial information, amino acid conservation, physicochemical variation, residue mobility, and thermodynamic stability) indicates that this missense variant is not expected to disrupt NOTCH2 protein function with a negative predictive value of 80%. In summary, the available evidence is currently insufficient to determine the role of this variant in disease. Therefore, it has been classified as a Variant of Uncertain Significance.

Ambry Genetics
Classification: Uncertain significance for Inborn genetic diseases. Last evaluated: 2024-08-05. Review status: criteria provided, single submitter. Criteria: Ambry Variant Classification Scheme 2023. Collection method: clinical testing. Allele origin: germline.

NM_024408.4(NOTCH2):c.2288C>G (p.Ser763Trp)

Gene: NOTCH2 (notch receptor 2; minus strand). Cytogenetic location: 1p12.
Variant type: single nucleotide variant.
Coding change: c.2288C>G on transcript NM_024408.4 (MANE Select); coding-DNA position 2288, C replaced by G.
Protein change: p.Ser763Trp; replaces serine 763 with tryptophan.
Molecular consequence: missense variant.
Genome position (GRCh38, 1-based): chr1:119,953,620, G>C on the plus strand (C>G on the coding strand, the complement: NOTCH2 is on the minus strand). VCF-style: chr1-119953620-G-C. GRCh37 (hg19) VCF-style: chr1-120496243-G-C.
Other names: c.2288C>G, p.Ser763Trp (NM_001200001.2); short protein forms S763W.
Identifiers: ClinVar variation 3406942 (VCV003406942.3).